The following is an entry in ClinVar:

NM_019616.4(F7):c.895C>T (p.Leu299Phe)

Gene: F7 (coagulation factor VII; plus strand). Cytogenetic location: 13q34.
Variant type: single nucleotide variant.
Coding change: c.895C>T on transcript NM_019616.4 (MANE Select); coding-DNA position 895, C replaced by T.
Protein change: p.Leu299Phe; replaces leucine 299 with phenylalanine.
Molecular consequence: missense variant. On other transcripts: non-coding transcript variant (1).
Genome position (GRCh38, 1-based): chr13:113,118,568, C>T. VCF-style: chr13-113118568-C-T. GRCh37 (hg19) VCF-style: chr13-113772882-C-T.
Other names: c.961C>T, p.Leu321Phe (NM_000131.5); c.709C>T, p.Leu237Phe (NM_001267554.2); short protein forms L237F, L299F, L321F.
Identifiers: ClinVar variation 3377703 (VCV003377703.1).

ClinVar aggregate classification (germline): Likely pathogenic (1 of 4 stars; one submission).

Conditions:
Congenital factor VII deficiency. Identifiers: Orphanet 327, MedGen C0272320, MONDO:0009211, OMIM 227500.

gnomAD v4.1: 1 of 1,612,736 alleles (0.000062%); highest among the groups gnomAD compares: South Asian, 0.0011%; no homozygotes.

Submission:

Neuberg Centre For Genomic Medicine, NCGM
Classification: Likely pathogenic for Congenital factor VII deficiency. Last evaluated: 2023-06-22. Review status: criteria provided, single submitter. Criteria: ACMG Guidelines, 2015. Collection method: clinical testing. Allele origin: germline. Inheritance: Autosomal recessive inheritance. Affected: yes.
Comment: The observed missense variant c.895C>T(p.Leu299Phe) in the F7 gene has been reported previously in individuals with Inherited Factor VII (FVII) deficiency (Sharma R, et al., 2023). This variant is reported with the allele frequency 0.0004% in the gnomAD Exomes. The amino acid Leu at position 299 is changed to a Phe changing protein sequence and it might alter its composition and physico-chemical properties. Multiple lines of computational evidence (Polyphen - Damaging, SIFT - Damaging and MutationTaster - Disease causing) predict a damaging effect on protein structure and function for this variant. The residue is conserved by GERP++ and PhyloP across 100 vertebrates. Since the Factor VII assay in this patient has been confirmed to be low, this variant has been classified as Likely Pathogenic.